The following is an entry in ClinVar:

ClinVar aggregate classification (germline): Benign/Likely benign. Review status: criteria provided, multiple submitters, no conflicts (2 of 4 stars). 11 submissions from 9 submitters: Benign (9); Likely benign (2). Last evaluated 2026-02-02.

Conditions:
Coffin-Siris syndrome. Identifiers: Orphanet 1465, MedGen C0265338, MONDO:0015452.
Rhabdoid tumor predisposition syndrome 1 (RTPS1). Also called: Familial Posterior Fossa Brain Tumor of Infancy. Identifiers: Orphanet 231108, Orphanet 69077, MedGen C1836327, MONDO:0012252, OMIM 609322.
SMARCB1-related schwannomatosis. Also called: SWNTS1; Schwannomatosis 1. Identifiers: Orphanet 93921, MedGen C4048809, MONDO:0024517, OMIM 162091. Disease mechanism: loss of function.

Allele frequency attached by ClinVar (database versions not stated): gnomAD exomes 0.00097 and 0.00233; ExAC 0.00263; gnomAD 0.00758 and 0.00815; 1000 Genomes Project 0.00779; TOPMed 0.00894; 1000 Genomes Project 30x 0.00906; ESP Exome Variant Server 0.00938.
gnomAD v4.1: 2,631 of 1,613,610 alleles (0.16%); highest among the groups gnomAD compares: African/African-American, 2.5%; 24 homozygotes.

Submissions (11):

Labcorp Genetics (formerly Invitae), Labcorp
Classification: Benign. Last evaluated: 2026-02-02. Review status: criteria provided, single submitter. Criteria: Invitae Variant Classification Sherloc (09022015). Collection method: clinical testing. Allele origin: germline.

KCCC/NGS Laboratory, Kuwait Cancer Control Center
Classification: Benign for SMARCB1-related schwannomatosis. Last evaluated: 2025-02-01. Review status: criteria provided, single submitter. Criteria: ACMG Guidelines, 2015. Collection method: clinical testing. Allele origin: germline. Affected: no.

ARUP Laboratories, Molecular Genetics and Genomics, ARUP Laboratories
Classification: Benign. Last evaluated: 2023-11-28. Review status: criteria provided, single submitter. Criteria: ARUP Molecular Germline Variant Investigation Process 2024. Collection method: clinical testing. Allele origin: germline.

KCCC/NGS Laboratory, Kuwait Cancer Control Center
Classification: Benign for Rhabdoid tumor predisposition syndrome 1. Last evaluated: 2023-07-07. Review status: criteria provided, single submitter. Criteria: ACMG Guidelines, 2015. Collection method: clinical testing. Allele origin: germline. Affected: yes.

Department of Pathology and Laboratory Medicine, Sinai Health System
Classification: Benign for Coffin-Siris syndrome. Last evaluated: 2023-06-13. Review status: criteria provided, single submitter. Criteria: ACMG Guidelines, 2015. Collection method: clinical testing. Allele origin: germline. Affected: yes.

Genetic Services Laboratory, University of Chicago
Classification: Benign. Last evaluated: 2021-11-23. Review status: criteria provided, single submitter. Criteria: ACMG Guidelines, 2015. Collection method: clinical testing. Allele origin: germline. Affected: no.

Illumina Laboratory Services, Illumina
Classification: Benign for Rhabdoid tumor predisposition syndrome 1. Last evaluated: 2018-01-13. Review status: criteria provided, single submitter. Criteria: ICSL Variant Classification Criteria 13 December 2019. Collection method: clinical testing. Allele origin: germline.
Comment: This variant was observed in the ICSL laboratory as part of a predisposition screen in an ostensibly healthy population. It had not been previously curated by ICSL or reported in the Human Gene Mutation Database (HGMD: prior to June 1st, 2018), and was therefore a candidate for classification through an automated scoring system. Utilizing variant allele frequency, disease prevalence and penetrance estimates, and inheritance mode, an automated score was calculated to assess if this variant is too frequent to cause the disease. Based on the score and internal cut-off values, a variant classified as benign is not then subjected to further curation. The score for this variant resulted in a classification of benign for this disease.

Illumina Laboratory Services, Illumina
Classification: Benign for SMARCB1-related schwannomatosis. Last evaluated: 2018-01-13. Review status: criteria provided, single submitter. Criteria: ICSL Variant Classification Criteria 13 December 2019. Collection method: clinical testing. Allele origin: germline.
Comment: the same text as in the submission from Illumina Laboratory Services, Illumina above.

GeneDx
Classification: Likely benign. Last evaluated: 2017-08-07. Review status: criteria provided, single submitter. Criteria: GeneDx Variant Classification (06012015). Collection method: clinical testing. Allele origin: germline. Affected: yes.
Comment: This variant is considered likely benign or benign based on one or more of the following criteria: it is a conservative change, it occurs at a poorly conserved position in the protein, it is predicted to be benign by multiple in silico algorithms, and/or has population frequency not consistent with disease.

Women's Health and Genetics/Laboratory Corporation of America, LabCorp
Classification: Benign. Last evaluated: 2016-05-25. Review status: criteria provided, single submitter. Criteria: LabCorp Variant Classification Summary - May 2015. Collection method: clinical testing. Allele origin: germline.
Comment: Variant summary: The SMARCB1 c.362+7C>T variant involves the alteration of a non-conserved intronic nucleotide. 5/5 splice tools predicting the variant not to have an impact on normal splicing. This variant was found in 319/121310 control chromosomes (including 1 homozygote), predominantly observed in the African subpopulation at a frequency of 0.0251251 (261/10388). This frequency greatly exceeds the estimated maximal expected allele frequency of a pathogenic SMARCB1 variant (0.0000001), suggesting this is likely a benign polymorphism found primarily in the populations of African origin. Taken together, this variant is classified as Benign.

Breakthrough Genomics
Classification: Likely benign. Review status: criteria provided, single submitter. Criteria: ACMG Guidelines, 2015. Collection method: not provided. Allele origin: germline. Inheritance: Autosomal dominant inheritance. Affected: yes.

NM_003073.5(SMARCB1):c.362+7C>T

Gene: SMARCB1 (SWI/SNF related BAF chromatin remodeling complex subunit B1; plus strand). Cytogenetic location: 22q11.23.
Variant type: single nucleotide variant.
Coding change: c.362+7C>T on transcript NM_003073.5 (MANE Select); 7 bases into the intron after coding-DNA position 362, C replaced by T.
Molecular consequence: intron variant.
Genome position (GRCh38, 1-based): chr22:23,793,695, C>T. VCF-style: chr22-23793695-C-T. GRCh37 (hg19) VCF-style: chr22-24135882-C-T.
Other names: c.362+7C>T (NM_001362877.2, LRG_520t1); c.335+7C>T (NM_001317946.2, NM_001007468.3).
Identifiers: ClinVar variation 239483 (VCV000239483.23), dbSNP rs34746244, ClinGen allele CA10145895.